The following is an entry in ClinVar:

ClinVar aggregate classification (germline): Uncertain significance. Review status: criteria provided, multiple submitters, no conflicts (2 of 4 stars). 2 submissions from 2 submitters: Uncertain significance (2). Last evaluated 2025-08-27.

Conditions:
Inborn genetic diseases. Identifiers: MedGen C0950123, MeSH D030342.
RYR1-related disorder. Also called: RYR1-related condition; RYR1-related disorders. Identifiers: MedGen CN239331.

Allele frequency attached by ClinVar (database versions not stated): gnomAD exomes 0.00001.
gnomAD v4.1: 11 of 1,304,304 alleles (0.00084%); highest among the groups gnomAD compares: Non-Finnish European, 0.0011%; no homozygotes.

Submissions (2):

Ambry Genetics
Classification: Uncertain significance for Inborn genetic diseases. Last evaluated: 2025-08-27. Review status: criteria provided, single submitter. Criteria: Ambry Variant Classification Scheme 2023. Collection method: clinical testing. Allele origin: germline.

Labcorp Genetics (formerly Invitae), Labcorp
Classification: Uncertain significance for RYR1-related disorder. Last evaluated: 2024-05-12. Review status: criteria provided, single submitter. Criteria: Invitae Variant Classification Sherloc (09022015). Collection method: clinical testing. Allele origin: germline.
Comment: This sequence change replaces arginine, which is basic and polar, with cysteine, which is neutral and slightly polar, at codon 4342 of the RYR1 protein (p.Arg4342Cys). This variant is not present in population databases (gnomAD no frequency). This variant has not been reported in the literature in individuals affected with RYR1-related conditions. ClinVar contains an entry for this variant (Variation ID: 2179511). Advanced modeling of protein sequence and biophysical properties (such as structural, functional, and spatial information, amino acid conservation, physicochemical variation, residue mobility, and thermodynamic stability) performed at Invitae indicates that this missense variant is not expected to disrupt RYR1 protein function with a negative predictive value of 95%. In summary, the available evidence is currently insufficient to determine the role of this variant in disease. Therefore, it has been classified as a Variant of Uncertain Significance.

NM_000540.3(RYR1):c.13024C>T (p.Arg4342Cys)

Gene: RYR1 (ryanodine receptor 1; plus strand). Cytogenetic location: 19q13.2.
Variant type: single nucleotide variant.
Coding change: c.13024C>T on transcript NM_000540.3 (MANE Select); coding-DNA position 13024, C replaced by T.
Protein change: p.Arg4342Cys; replaces arginine 4342 with cysteine.
Molecular consequence: missense variant.
Genome position (GRCh38, 1-based): chr19:38,565,358, C>T. VCF-style: chr19-38565358-C-T. GRCh37 (hg19) VCF-style: chr19-39055998-C-T.
Other names: c.13009C>T, p.Arg4337Cys (NM_001042723.2); short protein forms R4342C, R4337C.
Identifiers: ClinVar variation 2179511 (VCV002179511.3), dbSNP rs1187447607, ClinGen allele CA405673048.
Genomic context (GRCh38, chr19:38,565,358, plus strand): 5'-CGGCTTACGGCCCGCGAGGCGGCCACCGCAGTGGCGGCGCTGCTCTGGGCAGCAGTGACG[C>T]GCGCTGGGGCCGCTGGCGCGGGGGCGGCGGCGGGCGCGCTGGGCCTGCTCTGGGGCTCGC-3'
Protein context (NP_000531.2, residues 4332-4352): VAALLWAAVT[Arg4342Cys]AGAAGAGAAA